The following is an entry in ClinVar:

ClinVar aggregate classification (germline): Likely pathogenic. Review status: criteria provided, multiple submitters, no conflicts (2 of 4 stars). 2 submissions from 2 submitters: Likely pathogenic (2). Last evaluated 2024-05-02.

Conditions:
GLUT1 deficiency syndrome 1, autosomal recessive. Identifiers: MedGen C3149117.

Submissions (2):

Labcorp Genetics (formerly Invitae), Labcorp
Classification: Likely pathogenic for GLUT1 deficiency syndrome 1, autosomal recessive. Last evaluated: 2024-05-02. Review status: criteria provided, single submitter. Criteria: Invitae Variant Classification Sherloc (09022015). Collection method: clinical testing. Allele origin: germline.
Comment: This sequence change affects an acceptor splice site in intron 9 of the SLC2A1 gene. While this variant is not anticipated to result in nonsense mediated decay, it likely alters RNA splicing and results in a disrupted protein product. This variant is not present in population databases (gnomAD no frequency). Disruption of this splice site has been observed in individual(s) with SLC2A1-related conditions (PMID: 27848944). In at least one individual the variant was observed to be de novo. ClinVar contains an entry for this variant (Variation ID: 1325082). Variants that disrupt the consensus splice site are a relatively common cause of aberrant splicing (PMID: 17576681, 9536098). Algorithms developed to predict the effect of sequence changes on RNA splicing suggest that this variant may disrupt the consensus splice site. In summary, the currently available evidence indicates that the variant is pathogenic, but additional data are needed to prove that conclusively. Therefore, this variant has been classified as Likely Pathogenic.

Revvity Omics, Revvity
Classification: Likely pathogenic. Last evaluated: 2019-11-05. Review status: criteria provided, single submitter. Criteria: ACMG Guidelines, 2015. Collection method: clinical testing. Allele origin: germline.

Literature cited by the submitters: PubMed 27848944 (cited by Labcorp Genetics (formerly Invitae), Labcorp); PubMed 17576681 (cited by Labcorp Genetics (formerly Invitae), Labcorp); PubMed 9536098 (cited by Labcorp Genetics (formerly Invitae), Labcorp).

NM_006516.4(SLC2A1):c.1279-2A>G

Gene: SLC2A1 (solute carrier family 2 member 1; minus strand). Cytogenetic location: 1p34.2.
Variant type: single nucleotide variant.
Coding change: c.1279-2A>G on transcript NM_006516.4 (MANE Select); the canonical splice acceptor site of the intron before coding-DNA position 1279, A replaced by G.
Molecular consequence: splice acceptor variant.
Genome position (GRCh38, 1-based): chr1:42,927,243, T>C on the plus strand (A>G on the coding strand, the complement: SLC2A1 is on the minus strand). VCF-style: chr1-42927243-T-C. GRCh37 (hg19) VCF-style: chr1-43392914-T-C.
Identifiers: ClinVar variation 1325082 (VCV001325082.6), dbSNP rs2124445695, ClinGen allele CA339953590.